The following is an entry in ClinVar:

NM_206933.2(USH2A):c.850_853del

Gene: USH2A (usherin; minus strand). Cytogenetic location: 1q41.
Variant type: Microsatellite.
Coding change: c.850_853del on transcript NM_206933.2; coding-DNA positions 850 to 853, 4 bases deleted (GAGA; older notation c.850_853delGAGA).
Genome position (GRCh38, 1-based): chr1:216,325,595-216,325,598, TCTC deleted on the plus strand (GAGA on the coding strand, the reverse complement: USH2A is on the minus strand); deleting any 4 consecutive bases within chr1:216,325,595-216,325,601 gives the same sequence; the c. name uses the placement nearest the transcript's 3' end. VCF-style (leftmost placement, unchanged base first): chr1-216325594-ATCTC-A. GRCh37 (hg19) VCF-style: chr1-216498936-ATCTC-A.
Other names: c.850_853delGAGA (NM_206933.2).
Identifiers: ClinVar variation 1804891 (VCV001804891.5), dbSNP rs1188025733, ClinGen allele CA1139771285.

ClinVar aggregate classification (germline): Pathogenic/Likely pathogenic. Review status: criteria provided, multiple submitters, no conflicts (2 of 4 stars). 4 submissions from 4 submitters: Pathogenic (3); Likely pathogenic (1). Last evaluated 2025-12-01.

Conditions:
Monogenic hearing loss.
Usher syndrome type 2A. Also called: RETINAL DISEASE IN USHER SYNDROME TYPE IIA, MODIFIER OF; USHER SYNDROME, TYPE IIA. Identifiers: Orphanet 231178, Orphanet 886, MedGen C1848634, MONDO:0010169, OMIM 276901.

Submissions (4):

Genetics Laboratory, Great Ormond Street Hospital NHS Foundation Trust, North Thames Genomic Laboratory Hub
Classification: Pathogenic for Monogenic hearing loss. Last evaluated: 2025-12-01. Review status: criteria provided, single submitter. Criteria: ACGS Best Practice Guidelines for Variant Classification in Rare Disease 2024 v1.2. Collection method: clinical testing. Allele origin: germline. Affected: yes.
Comment: PM2_moderate, PVS1_very-strong, PM3_moderate

Natera, Inc.
Classification: Likely pathogenic for Usher syndrome type 2A. Last evaluated: 2025-06-16. Review status: criteria provided, single submitter. Criteria: Natera Variant Classification Schema (03/2026). Collection method: clinical testing. Allele origin: germline.
Comment: The c.850_853del variant in USH2A is a frameshift variant predicted to shift the reading frame beginning at codon 284 and leads to a stop codon 51 codons downstream. This variant is expected to result in nonsense mediated decay, truncation, or a dysfunctional protein product. This variant is rare in the general population with a frequency below the threshold expected for the associated phenotype(s). Given the available evidence, this variant is classified as Likely Pathogenic.

Labcorp Genetics (formerly Invitae), Labcorp
Classification: Pathogenic. Last evaluated: 2023-08-16. Review status: criteria provided, single submitter. Criteria: Invitae Variant Classification Sherloc (09022015). Collection method: clinical testing. Allele origin: germline.
Comment: This sequence change creates a premature translational stop signal (p.Glu284Phefs*51) in the USH2A gene. It is expected to result in an absent or disrupted protein product. Loss-of-function variants in USH2A are known to be pathogenic (PMID: 10729113, 10909849, 20507924, 25649381). For these reasons, this variant has been classified as Pathogenic. ClinVar contains an entry for this variant (Variation ID: 1804891). This premature translational stop signal has been observed in individual(s) with inherited retinal dystrophy (PMID: 32037395). This variant is not present in population databases (gnomAD no frequency).

Victorian Clinical Genetics Services, Murdoch Childrens Research Institute
Classification: Pathogenic for Usher syndrome type 2A. Last evaluated: 2021-05-06. Review status: criteria provided, single submitter. Criteria: ACMG Guidelines, 2015. Collection method: clinical testing. Allele origin: germline. Inheritance: Autosomal recessive inheritance.
Comment: Based on the classification scheme VCGS_Germline_v1.3.4, this variant is classified as Pathogenic. Following criteria are met: 0102 - Loss of function is a known mechanism of disease in this gene and is associated with Usher syndrome, type 2A (MIM#276901). (I) 0106 - This gene is associated with autosomal recessive disease. (I) 0201 - Variant is predicted to cause nonsense-mediated decay (NMD) and loss of protein (premature termination codon is located at least 54 nucleotides upstream of the final exon-exon junction). (SP) 0251 - This variant is heterozygous. (I) 0301 - Variant is absent from gnomAD (both v2 and v3). (SP) 0701 - Other NMD-predicted variants comparable to the one identified in this case have very strong previous evidence for pathogenicity. Many NMD-predicted variants have been reported in patients with both retinitis pigmentosa and Usher syndrome (ClinVar). (SP) 0807 - This variant has no previous evidence of pathogenicity. (I) 0905 - No published segregation evidence has been identified for this variant. (I) 1007 - No published functional evidence has been identified for this variant. (I) Legend: (SP) - Supporting pathogenic, (I) - Information, (SB) - Supporting benign

Literature cited by the submitters: PubMed 10729113 (cited by Labcorp Genetics (formerly Invitae), Labcorp); PubMed 10909849 (cited by Labcorp Genetics (formerly Invitae), Labcorp); PubMed 20507924 (cited by Labcorp Genetics (formerly Invitae), Labcorp); PubMed 25649381 (cited by Labcorp Genetics (formerly Invitae), Labcorp); PubMed 32037395 (cited by Labcorp Genetics (formerly Invitae), Labcorp).